The following is an entry in ClinVar:

NM_005245.4(FAT1):c.5584G>T (p.Ala1862Ser)

Gene: FAT1 (FAT atypical cadherin 1; minus strand). Cytogenetic location: 4q35.2.
Variant type: single nucleotide variant.
Coding change: c.5584G>T on transcript NM_005245.4 (MANE Select); coding-DNA position 5584, G replaced by T.
Protein change: p.Ala1862Ser; replaces alanine 1862 with serine.
Molecular consequence: missense variant.
Genome position (GRCh38, 1-based): chr4:186,621,002, C>A on the plus strand (G>T on the coding strand, the complement: FAT1 is on the minus strand). VCF-style: chr4-186621002-C-A. GRCh37 (hg19) VCF-style: chr4-187542156-C-A.
Other names: c.5584G>T (NM_005245.3); short protein forms A1862S.
Identifiers: ClinVar variation 1913843 (VCV001913843.8), dbSNP rs567598137, ClinGen allele CA3166434.

ClinVar aggregate classification (germline): Uncertain significance. Review status: criteria provided, multiple submitters, no conflicts (2 of 4 stars). 2 submissions from 2 submitters: Uncertain significance (2). Last evaluated 2025-08-27.

Conditions:
Inborn genetic diseases. Identifiers: MedGen C0950123, MeSH D030342.

Allele frequency attached by ClinVar (database versions not stated): TOPMed 0.00005; gnomAD 0.00007.
gnomAD v4.1: 73 of 1,612,736 alleles (0.0045%); highest among the groups gnomAD compares: African/African-American, 0.023%; no homozygotes.

Submissions (2):

Ambry Genetics
Classification: Uncertain significance for Inborn genetic diseases. Last evaluated: 2025-08-27. Review status: criteria provided, single submitter. Criteria: Ambry Variant Classification Scheme 2023. Collection method: clinical testing. Allele origin: germline.

Labcorp Genetics (formerly Invitae), Labcorp
Classification: Uncertain significance. Last evaluated: 2025-08-11. Review status: criteria provided, single submitter. Criteria: Invitae Variant Classification Sherloc (09022015). Collection method: clinical testing. Allele origin: germline.
Comment: This sequence change replaces alanine, which is neutral and non-polar, with serine, which is neutral and polar, at codon 1862 of the FAT1 protein (p.Ala1862Ser). This variant is present in population databases (rs567598137, gnomAD 0.008%). This variant has not been reported in the literature in individuals affected with FAT1-related conditions. ClinVar contains an entry for this variant (Variation ID: 1913843). Invitae Evidence Modeling of protein sequence and biophysical properties (such as structural, functional, and spatial information, amino acid conservation, physicochemical variation, residue mobility, and thermodynamic stability) indicates that this missense variant is not expected to disrupt FAT1 protein function with a negative predictive value of 80%. In summary, the available evidence is currently insufficient to determine the role of this variant in disease. Therefore, it has been classified as a Variant of Uncertain Significance.